The following is an entry in ClinVar:

NM_000051.4(ATM):c.3226C>T (p.Gln1076Ter)

Gene: ATM (ATM serine/threonine kinase; plus strand). Cytogenetic location: 11q22.3.
Variant type: single nucleotide variant.
Coding change: c.3226C>T on transcript NM_000051.4 (MANE Select); coding-DNA position 3226, C replaced by T.
Protein change: p.Gln1076Ter; replaces glutamine 1076 with a stop codon.
Molecular consequence: nonsense.
Genome position (GRCh38, 1-based): chr11:108,272,794, C>T. VCF-style: chr11-108272794-C-T. GRCh37 (hg19) VCF-style: chr11-108143521-C-T.
Other names: c.3226C>T, p.Gln1076Ter (NM_001351834.2); short protein forms Q1076*.
Identifiers: ClinVar variation 2821563 (VCV002821563.4), dbSNP rs2135571727, ClinGen allele CA382515901.

ClinVar aggregate classification (germline): Pathogenic. Review status: criteria provided, multiple submitters, no conflicts (2 of 4 stars). 2 submissions from 2 submitters: Pathogenic (2). Last evaluated 2023-09-19.

Conditions:
Hereditary cancer-predisposing syndrome. Also called: Neoplastic Syndromes, Hereditary; Hereditary Cancer Syndrome; Hereditary neoplastic syndrome; Tumor predisposition. Identifiers: Orphanet 140162, MedGen C0027672, MeSH D009386, MONDO:0015356.
Ataxia-telangiectasia syndrome (AT). Also called: ATAXIA-TELANGIECTASIA, COMPLEMENTATION GROUP A; Ataxia telangiectasia (A-T); Cerebello-oculocutaneous telangiectasia; Immunodeficiency with ataxia telangiectasia; LOUIS-BAR SYNDROME; ATAXIA-TELANGIECTASIA, FRESNO VARIANT. Identifiers: Orphanet 100, MedGen C0004135, MONDO:0008840, OMIM 208900.

Submissions (2):

Ambry Genetics
Classification: Pathogenic for Hereditary cancer-predisposing syndrome. Last evaluated: 2023-09-19. Review status: criteria provided, single submitter. Criteria: Ambry Variant Classification Scheme 2023. Collection method: clinical testing. Allele origin: germline.
Comment: The p.Q1076* pathogenic mutation (also known as c.3226C>T), located in coding exon 21 of the ATM gene, results from a C to T substitution at nucleotide position 3226. This changes the amino acid from a glutamine to a stop codon within coding exon 21. This variant is considered to be rare based on population cohorts in the Genome Aggregation Database (gnomAD). This alteration is expected to result in loss of function by premature protein truncation or nonsense-mediated mRNA decay. As such, this alteration is interpreted as a disease-causing mutation.

Labcorp Genetics (formerly Invitae), Labcorp
Classification: Pathogenic for Ataxia-telangiectasia syndrome. Last evaluated: 2023-04-24. Review status: criteria provided, single submitter. Criteria: Invitae Variant Classification Sherloc (09022015). Collection method: clinical testing. Allele origin: germline.
Comment: For these reasons, this variant has been classified as Pathogenic. This variant has not been reported in the literature in individuals affected with ATM-related conditions. This variant is not present in population databases (gnomAD no frequency). This sequence change creates a premature translational stop signal (p.Gln1076*) in the ATM gene. It is expected to result in an absent or disrupted protein product. Loss-of-function variants in ATM are known to be pathogenic (PMID: 23807571, 25614872).

Literature cited by the submitters: PubMed 23807571 (cited by Labcorp Genetics (formerly Invitae), Labcorp); PubMed 25614872 (cited by Labcorp Genetics (formerly Invitae), Labcorp).